The following is an entry in ClinVar:

NM_182894.3(VSX2):c.371-14C>G

Gene: VSX2 (visual system homeobox 2; plus strand). Cytogenetic location: 14q24.3.
Variant type: single nucleotide variant.
Coding change: c.371-14C>G on transcript NM_182894.3 (MANE Select); 14 bases into the intron before coding-DNA position 371, C replaced by G.
Molecular consequence: intron variant.
Genome position (GRCh38, 1-based): chr14:74,241,168, C>G. VCF-style: chr14-74241168-C-G. GRCh37 (hg19) VCF-style: chr14-74707871-C-G.
Identifiers: ClinVar variation 3776182 (VCV003776182.1).
Genomic context (GRCh38, chr14:74,241,168, plus strand): 5'-GGGGCCCTCGCGGGTTTCGGGCACAGCGGAGCGCGTCCCCCACTCTGCCGCATGTCCCTA[C>G]GCCCGCTTTTCAGATTCTGAAGATGTTTCCTCCAGCGATCGAAAAATGTCCAAATCTGCT-3'

ClinVar aggregate classification (germline): Uncertain significance (1 of 4 stars; one submission).

Conditions:
Isolated microphthalmia 2. Identifiers: Orphanet 2542, MedGen C1864720, MONDO:0012409, OMIM 610093.
Microphthalmia, isolated, with coloboma 3 (MCOPCB3). Also called: MICROPHTHALMIA/COLOBOMA 3; MICROPHTHALMIA, COLOBOMATOUS, 3. Identifiers: Orphanet 98938, MedGen C1864721, MONDO:0012408, OMIM 610092.

gnomAD v4.1: 1 of 1,612,542 alleles (0.000062%); no homozygotes.

Submission:

3billion
Classification: Uncertain significance for Microphthalmia, isolated, with coloboma 3; Isolated microphthalmia 2. Last evaluated: 2024-03-20. Review status: criteria provided, single submitter. Criteria: ACMG Guidelines, 2015. Collection method: clinical testing. Allele origin: germline. Affected: yes.
Comment: The variant is not observed in the gnomAD v2.1.1 dataset. Predicted Consequence/Location: Intron variant In silico tools predict the variant to alter splicing and produce an abnormal transcript [SpliceAI: 0.73 (>=0.2, moderate evidence for spliceogenicity)]. Therefore, this variant is classified as VUS according to the recommendation of ACMG/AMP guideline.